The following is an entry in ClinVar:

NM_016111.4(TELO2):c.1330C>G (p.Gln444Glu)

Gene: TELO2 (telomere maintenance 2; plus strand). Cytogenetic location: 16p13.3.
Variant type: single nucleotide variant.
Coding change: c.1330C>G on transcript NM_016111.4 (MANE Select); coding-DNA position 1330, C replaced by G.
Protein change: p.Gln444Glu; replaces glutamine 444 with glutamic acid.
Molecular consequence: missense variant.
Genome position (GRCh38, 1-based): chr16:1,501,468, C>G. VCF-style: chr16-1501468-C-G. GRCh37 (hg19) VCF-style: chr16-1551469-C-G.
Other names: c.1330C>G, p.Gln444Glu (NM_001351846.2); c.1330C>G (NM_016111.3); short protein forms Q444E.
Identifiers: ClinVar variation 2144769 (VCV002144769.5), dbSNP rs770450745, ClinGen allele CA7812073.

ClinVar aggregate classification (germline): Uncertain significance. Review status: criteria provided, multiple submitters, no conflicts (2 of 4 stars). 3 submissions from 3 submitters: Uncertain significance (3). Last evaluated 2025-02-27.

Conditions:
Inborn genetic diseases. Identifiers: MedGen C0950123, MeSH D030342.

Allele frequency attached by ClinVar (database versions not stated): ExAC 0.00011.

Submissions (3):

Ambry Genetics
Classification: Uncertain significance for Inborn genetic diseases. Last evaluated: 2025-02-27. Review status: criteria provided, single submitter. Criteria: Ambry Variant Classification Scheme 2023. Collection method: clinical testing. Allele origin: germline.

GeneDx
Classification: Uncertain significance. Last evaluated: 2023-03-03. Review status: criteria provided, single submitter. Criteria: GeneDx Variant Classification Process June 2021. Collection method: clinical testing. Allele origin: germline. Affected: yes.
Comment: In silico analysis supports that this missense variant does not alter protein structure/function; Has not been previously published as pathogenic or benign to our knowledge

Labcorp Genetics (formerly Invitae), Labcorp
Classification: Uncertain significance. Last evaluated: 2022-05-05. Review status: criteria provided, single submitter. Criteria: Invitae Variant Classification Sherloc (09022015). Collection method: clinical testing. Allele origin: germline.
Comment: This sequence change replaces glutamine, which is neutral and polar, with glutamic acid, which is acidic and polar, at codon 444 of the TELO2 protein (p.Gln444Glu). This variant is present in population databases (rs770450745, gnomAD 0.09%). This variant has not been reported in the literature in individuals affected with TELO2-related conditions. Algorithms developed to predict the effect of missense changes on protein structure and function (SIFT, PolyPhen-2, Align-GVGD) all suggest that this variant is likely to be tolerated. In summary, the available evidence is currently insufficient to determine the role of this variant in disease. Therefore, it has been classified as a Variant of Uncertain Significance.